The following is an entry in ClinVar:

NM_182961.4(SYNE1):c.10444-57C>T

Gene: SYNE1 (spectrin repeat containing nuclear envelope protein 1; minus strand). Cytogenetic location: 6q25.2.
Variant type: single nucleotide variant.
Coding change: c.10444-57C>T on transcript NM_182961.4 (MANE Select); 57 bases into the intron before coding-DNA position 10444, C replaced by T.
Molecular consequence: intron variant.
Genome position (GRCh38, 1-based): chr6:152,358,594, G>A on the plus strand (C>T on the coding strand, the complement: SYNE1 is on the minus strand). VCF-style: chr6-152358594-G-A. GRCh37 (hg19) VCF-style: chr6-152679729-G-A.
Other names: c.10465-57C>T (NM_033071.5).
Identifiers: ClinVar variation 670164 (VCV000670164.1), dbSNP rs9478326, ClinGen allele CA12433787.
Genomic context (GRCh38, chr6:152,358,594, plus strand): 5'-CTTCCTATAATTAGCATTTAAAATAATGAAGTTAGGAACACATTACTTTATAAAGCATCA[G>A]TGTGCTGTAATTCACTTTTGTAATTTTAGAAAAGTATAATTATTGAGACATTAGAATATG-3'

ClinVar aggregate classification (germline): Benign (1 of 4 stars; one submission).

Allele frequency attached by ClinVar (database versions not stated): 1000 Genomes Project 0.14337; 1000 Genomes Project 30x 0.14678; gnomAD exomes 0.15392; TOPMed 0.18434; gnomAD 0.19359 and 0.20126.
gnomAD v4.1: 247,036 of 1,569,796 alleles (16%); highest among the groups gnomAD compares: African/African-American, 31%; 21,994 homozygotes.

Submission:

GeneDx
Classification: Benign. Last evaluated: 2018-06-19. Review status: criteria provided, single submitter. Criteria: GeneDx Variant Classification (06012015). Collection method: clinical testing. Allele origin: germline. Affected: yes.
Comment: This variant is considered likely benign or benign based on one or more of the following criteria: it is a conservative change, it occurs at a poorly conserved position in the protein, it is predicted to be benign by multiple in silico algorithms, and/or has population frequency not consistent with disease.